The following is an entry in ClinVar:

ClinVar aggregate classification (germline): Uncertain significance (1 of 4 stars; one submission).

Conditions:
Progressive myoclonic epilepsy. Also called: Familial progressive myoclonic epilepsy; Myoclonus epilepsy; Myoclonic Epilepsies, Progressive; Progressive myoclonus epilepsy. Identifiers: Orphanet 308, Orphanet 98261, MedGen C0751778, MONDO:0020074.

Submission:

Labcorp Genetics (formerly Invitae), Labcorp
Classification: Uncertain significance for Progressive myoclonic epilepsy. Last evaluated: 2021-02-08. Review status: criteria provided, single submitter. Criteria: Invitae Variant Classification Sherloc (09022015). Collection method: clinical testing. Allele origin: germline.
Comment: In summary, the available evidence is currently insufficient to determine the role of this variant in disease. Therefore, it has been classified as a Variant of Uncertain Significance. Algorithms developed to predict the effect of missense changes on protein structure and function (SIFT, PolyPhen-2, Align-GVGD) all suggest that this variant is likely to be disruptive, but these predictions have not been confirmed by published functional studies and their clinical significance is uncertain. This variant has not been reported in the literature in individuals with EPM2A-related conditions. This variant is not present in population databases (ExAC no frequency). This sequence change replaces threonine with arginine at codon 187 of the EPM2A protein (p.Thr187Arg). The threonine residue is highly conserved and there is a moderate physicochemical difference between threonine and arginine.

NM_005670.4(EPM2A):c.560C>G (p.Thr187Arg)

Gene: EPM2A (EPM2A glucan phosphatase, laforin; minus strand). Cytogenetic location: 6q24.3.
Variant type: single nucleotide variant.
Coding change: c.560C>G on transcript NM_005670.4 (MANE Select); coding-DNA position 560, C replaced by G.
Protein change: p.Thr187Arg; replaces threonine 187 with arginine.
Molecular consequence: missense variant. On other transcripts: intron variant (1).
Genome position (GRCh38, 1-based): chr6:145,635,403, G>C on the plus strand (C>G on the coding strand, the complement: EPM2A is on the minus strand). VCF-style: chr6-145635403-G-C. GRCh37 (hg19) VCF-style: chr6-145956539-G-C.
Other names: c.560C>G, p.Thr187Arg (NM_001018041.2, NM_001368130.1); c.146C>G, p.Thr49Arg (NM_001360064.2, NM_001360071.2, NM_001368131.1); c.98C>G, p.Thr33Arg (NM_001368129.2, NM_001368132.1); c.477-7710C>G (NM_001360057.2); short protein forms T187R, T33R, T49R.
Identifiers: ClinVar variation 1478588 (VCV001478588.8), dbSNP rs1582935082, ClinGen allele CA366191419.